The following is an entry in ClinVar:

ClinVar aggregate classification (germline): Likely pathogenic (1 of 4 stars; one submission).

Conditions:
Hereditary pancreatitis (PCTT). Also called: Hereditary chronic pancreatitis; PRSS1-Related Hereditary Pancreatitis. Identifiers: Orphanet 676, MedGen C0238339, MONDO:0008185, OMIM 167800.

Submission:

Labcorp Genetics (formerly Invitae), Labcorp
Classification: Likely pathogenic for Hereditary pancreatitis. Last evaluated: 2022-09-27. Review status: criteria provided, single submitter. Criteria: Invitae Variant Classification Sherloc (09022015). Collection method: clinical testing. Allele origin: germline.
Comment: A copy number gain of the genomic region encompassing the full coding sequence of the PRSS1 gene has been identified. The boundaries of this event are unknown as they extend beyond the assayed region for this gene and therefore may encompass additional genes. As the precise location of this event is unknown, it may be in tandem or it may be located elsewhere in the genome. A similar copy number variant has been observed in individual(s) with idiopathic chronic pancreatitis (PMID: 18063422, 19584086). In summary, the currently available evidence indicates that the variant is pathogenic, but additional data are needed to prove that conclusively. Therefore, this variant has been classified as Likely Pathogenic.

Literature cited by the submitters: PubMed 18063422; PubMed 19584086.

NC_000007.14:g.(?_142749147)_(142753020_?)dup

Genes: PRSS1 (serine protease 1; plus strand), TRB (T cell receptor beta locus; plus strand). Cytogenetic location: 7q34.
Variant type: Duplication.
Identifiers: ClinVar variation 831511 (VCV000831511.5).